The following is an entry in ClinVar:

NM_004958.4(MTOR):c.494G>A (p.Arg165Lys)

Gene: MTOR (mechanistic target of rapamycin kinase; minus strand). Cytogenetic location: 1p36.22.
Variant type: single nucleotide variant.
Coding change: c.494G>A on transcript NM_004958.4 (MANE Select); coding-DNA position 494, G replaced by A.
Protein change: p.Arg165Lys; replaces arginine 165 with lysine.
Molecular consequence: missense variant. On other transcripts: 5 prime UTR variant (1).
Genome position (GRCh38, 1-based): chr1:11,256,943, C>T on the plus strand (G>A on the coding strand, the complement: MTOR is on the minus strand). VCF-style: chr1-11256943-C-T. GRCh37 (hg19) VCF-style: chr1-11317000-C-T.
Other names: c.494G>A, p.Arg165Lys (NM_001386500.1); c.-646G>A (NM_001386501.1); short protein forms R165K.
Identifiers: ClinVar variation 1375298 (VCV001375298.5), dbSNP rs144877536, ClinGen allele CA590938.

ClinVar aggregate classification (germline): Uncertain significance (1 of 4 stars; one submission).

Allele frequency attached by ClinVar (database versions not stated): TOPMed 0.00001; gnomAD 0.00002 and 0.00003; gnomAD exomes 0.00002 and 0.00005; ExAC 0.00003; ESP Exome Variant Server 0.00008.
gnomAD v4.1: 75 of 1,613,528 alleles (0.0046%); highest among the groups gnomAD compares: Non-Finnish European, 0.0063%; no homozygotes.

Submission:

Labcorp Genetics (formerly Invitae), Labcorp
Classification: Uncertain significance. Last evaluated: 2025-12-08. Review status: criteria provided, single submitter. Criteria: Invitae Variant Classification Sherloc (09022015). Collection method: clinical testing. Allele origin: germline.
Comment: This sequence change replaces arginine, which is basic and polar, with lysine, which is basic and polar, at codon 165 of the MTOR protein (p.Arg165Lys). This variant is present in population databases (rs144877536, gnomAD 0.004%). This variant has not been reported in the literature in individuals affected with MTOR-related conditions. ClinVar contains an entry for this variant (Variation ID: 1375298). Invitae Evidence Modeling of protein sequence and biophysical properties (such as structural, functional, and spatial information, amino acid conservation, physicochemical variation, residue mobility, and thermodynamic stability) indicates that this missense variant is not expected to disrupt MTOR protein function with a negative predictive value of 95%. In summary, the available evidence is currently insufficient to determine the role of this variant in disease. Therefore, it has been classified as a Variant of Uncertain Significance.